The following is an entry in ClinVar:

NM_198687.2(KRTAP10-4):c.300T>C (p.Cys100=)

Genes: KRTAP10-4 (keratin associated protein 10-4; plus strand), TSPEAR (thrombospondin type laminin G domain and EAR repeats; minus strand). Cytogenetic location: 21q22.3.
Variant type: single nucleotide variant.
Coding change: c.300T>C on transcript NM_198687.2 (MANE Select); coding-DNA position 300, T replaced by C.
Protein change: p.Cys100=; no amino-acid change (cysteine 100 retained).
Molecular consequence: synonymous variant. On other transcripts: intron variant (2).
Genome position (GRCh38, 1-based): chr21:44,574,058, T>C. VCF-style: chr21-44574058-T-C. GRCh37 (hg19) VCF-style: chr21-45993935-T-C.
Other names: c.83-6053A>G (NM_144991.3); c.-122-6053A>G (NM_001272037.2).
Identifiers: ClinVar variation 3250692 (VCV003250692.18), dbSNP rs587616443.

ClinVar aggregate classification (germline): Likely benign (1 of 4 stars; one submission).

Allele frequency attached by ClinVar (database versions not stated): ExAC 0.00008; 1000 Genomes Project 0.00040; 1000 Genomes Project 30x 0.00125.

Submission:

CeGaT Center for Human Genetics Tuebingen
Classification: Likely benign. Last evaluated: 2024-07-01. Review status: criteria provided, single submitter. Criteria: CeGaT Center For Human Genetics Tuebingen Variant Classification Criteria Version 2. Collection method: clinical testing. Allele origin: germline. Affected: yes. Observed: 1 variant allele.
Comment: KRTAP10-4: BP4, BP7